The following is an entry in ClinVar:

NM_000254.3(MTR):c.2405G>A (p.Arg802Gln)

Gene: MTR (5-methyltetrahydrofolate-homocysteine methyltransferase; plus strand). Cytogenetic location: 1q43.
Variant type: single nucleotide variant.
Coding change: c.2405G>A on transcript NM_000254.3 (MANE Select); coding-DNA position 2405, G replaced by A.
Protein change: p.Arg802Gln; replaces arginine 802 with glutamine.
Molecular consequence: missense variant.
Genome position (GRCh38, 1-based): chr1:236,863,554, G>A. VCF-style: chr1-236863554-G-A. GRCh37 (hg19) VCF-style: chr1-237026854-G-A.
Other names: c.2252G>A, p.Arg751Gln (NM_001291939.1); c.1184G>A, p.Arg395Gln (NM_001291940.2); short protein forms R751Q, R802Q, R395Q.
Identifiers: ClinVar variation 1477150 (VCV001477150.4), dbSNP rs760932771, ClinGen allele CA1474367.

ClinVar aggregate classification (germline): Uncertain significance (1 of 4 stars; one submission).

Conditions:
Methylcobalamin deficiency type cblG (HMAG). Also called: HOMOCYSTINURIA-MEGALOBLASTIC ANEMIA, cblG COMPLEMENTATION TYPE; HOMOCYSTINURIA-MEGALOBLASTIC ANEMIA, cblG TYPE; Functional methionine synthase deficiency type cblG; HOMOCYSTINURIA-MEGALOBLASTIC ANEMIA DUE TO DEFECT IN COBALAMIN METABOLISM, cblG COMPLEMENTATION TYPE. Identifiers: Orphanet 2170, Orphanet 622, MedGen C1855128, MONDO:0009609, OMIM 250940.

Allele frequency attached by ClinVar (database versions not stated): gnomAD exomes below 0.00001 and 0.00001; ExAC 0.00001.
gnomAD v4.1: 10 of 1,613,074 alleles (0.00062%); highest among the groups gnomAD compares: Admixed American, 0.0017%; no homozygotes.

Submission:

Labcorp Genetics (formerly Invitae), Labcorp
Classification: Uncertain significance for Methylcobalamin deficiency type cblG. Last evaluated: 2021-11-14. Review status: criteria provided, single submitter. Criteria: Invitae Variant Classification Sherloc (09022015). Collection method: clinical testing. Allele origin: germline.
Comment: In summary, the available evidence is currently insufficient to determine the role of this variant in disease. Therefore, it has been classified as a Variant of Uncertain Significance. Variants that disrupt the consensus splice site are a relatively common cause of aberrant splicing (PMID: 17576681, 9536098). Algorithms developed to predict the effect of sequence changes on RNA splicing suggest that this variant may disrupt the consensus splice site. Algorithms developed to predict the effect of missense changes on protein structure and function are either unavailable or do not agree on the potential impact of this missense change (SIFT: "Deleterious"; PolyPhen-2: "Probably Damaging"; Align-GVGD: "Class C0"). This missense change has been observed in individual(s) with cobalamin G deficiency (PMID: 25526710). This variant is present in population databases (rs760932771, gnomAD 0.003%). This sequence change replaces arginine, which is basic and polar, with glutamine, which is neutral and polar, at codon 802 of the MTR protein (p.Arg802Gln). This variant also falls at the last nucleotide of exon 22, which is part of the consensus splice site for this exon.

Literature cited by the submitters: PubMed 17576681; PubMed 9536098; PubMed 25526710.